The following is an entry in ClinVar:

ClinVar aggregate classification (germline): Pathogenic (1 of 4 stars; one submission).

Conditions:
Renal carnitine transport defect (CDSP). Also called: Carnitine transporter deficiency; Carnitine Deficiency, Systemic; Systemic primary carnitine deficiency disease; CARNITINE DEFICIENCY, SYSTEMIC, DUE TO DEFECT IN RENAL REABSORPTION OF CARNITINE; CARNITINE TRANSPORTER, PLASMA-MEMBRANE, DEFICIENCY OF; CARNITINE UPTAKE DEFECT. Identifiers: Orphanet 158, MedGen C0342788, MONDO:0008919, OMIM 212140.

Submission:

Labcorp Genetics (formerly Invitae), Labcorp
Classification: Pathogenic for Renal carnitine transport defect. Last evaluated: 2023-11-01. Review status: criteria provided, single submitter. Criteria: Invitae Variant Classification Sherloc (09022015). Collection method: clinical testing. Allele origin: unknown.
Comment: This variant is a gross deletion of the genomic region encompassing exon(s) 7-10 of the SLC22A5 gene, which includes the termination codon. This deletion extends beyond the assayed region for this gene and therefore may encompass additional genes. While this deletion is not anticipated to lead to nonsense mediated decay, it is expected to alter mRNA translation or result in a truncated protein product. This variant has not been reported in the literature in individuals affected with SLC22A5-related conditions. This variant disrupts a region of the SLC22A5 protein in which other variant(s) (p.Ile521Hisfs*3) have been determined to be pathogenic (PMID: 17126586). This suggests that this is a clinically significant region of the protein, and that variants that disrupt it are likely to be disease-causing. For these reasons, this variant has been classified as Pathogenic.

Literature cited by the submitters: PubMed 17126586.

NC_000005.9:g.(?_131726362)_(131729964_?)del

Gene: SLC22A5 (solute carrier family 22 member 5; plus strand). Cytogenetic location: 5q31.1.
Variant type: Deletion.
Identifiers: ClinVar variation 3246304 (VCV003246304.1).